The following is an entry in ClinVar:

NM_052813.5(CARD9):c.1435-6C>T

Gene: CARD9 (caspase recruitment domain family member 9; minus strand). Cytogenetic location: 9q34.3.
Variant type: single nucleotide variant.
Coding change: c.1435-6C>T on transcript NM_052813.5 (MANE Select); 6 bases into the intron before coding-DNA position 1435, C replaced by T.
Molecular consequence: intron variant.
Genome position (GRCh38, 1-based): chr9:136,364,565, G>A on the plus strand (C>T on the coding strand, the complement: CARD9 is on the minus strand). VCF-style: chr9-136364565-G-A. GRCh37 (hg19) VCF-style: chr9-139259017-G-A.
Other names: c.1435-6C>T (NM_052814.4).
Identifiers: ClinVar variation 2174787 (VCV002174787.26), dbSNP rs1436505855, ClinGen allele CA467716748.

ClinVar aggregate classification (germline): Conflicting classifications of pathogenicity. Review status: criteria provided, conflicting classifications (1 of 4 stars). 3 submissions from 3 submitters: Uncertain significance (1); Likely benign (2). Last evaluated 2024-05-26.

Conditions:
Predisposition to invasive fungal disease due to CARD9 deficiency (IMD103). Also called: CARD9 IMMUNODEFICIENCY; IMMUNODEFICIENCY 103, SUSCEPTIBILITY TO FUNGAL INFECTIONS; Candidiasis, familial, 2, autosomal recessive. Identifiers: Orphanet 457088, MedGen C1859353, MONDO:0008905, OMIM 212050.

Allele frequency attached by ClinVar (database versions not stated): gnomAD 0.00001; TOPMed 0.00001.
gnomAD v4.1: 11 of 1,537,100 alleles (0.00072%); highest among the groups gnomAD compares: Middle Eastern, 0.022%; no homozygotes.

Submissions (3):

Labcorp Genetics (formerly Invitae), Labcorp
Classification: Likely benign for Predisposition to invasive fungal disease due to CARD9 deficiency. Last evaluated: 2024-05-26. Review status: criteria provided, single submitter. Criteria: Invitae Variant Classification Sherloc (09022015). Collection method: clinical testing. Allele origin: germline.

CeGaT Center for Human Genetics Tuebingen
Classification: Uncertain significance. Last evaluated: 2024-03-01. Review status: criteria provided, single submitter. Criteria: CeGaT Center For Human Genetics Tuebingen Variant Classification Criteria Version 2. Collection method: clinical testing. Allele origin: germline. Affected: yes. Observed: 1 variant allele.
Comment: CARD9: PM2, BP4

Blueprint Genetics
Classification: Likely benign. Last evaluated: 2023-10-11. Review status: criteria provided, single submitter. Criteria: ACMG Guidelines, 2015. Collection method: clinical testing. Allele origin: germline.